The following is an entry in ClinVar:

ClinVar aggregate classification (germline): Uncertain significance (1 of 4 stars; one submission).

Conditions:
MASP2-related disorder. Also called: MASP2-related condition.

gnomAD v4.1: 98 of 1,550,718 alleles (0.0063%); highest among the groups gnomAD compares: Admixed American, 0.14%; no homozygotes.

Submission:

PreventionGenetics, part of Exact Sciences
Classification: Uncertain significance for MASP2-related condition. Last evaluated: 2024-10-08. Review status: criteria provided, single submitter. Criteria: ACMG Guidelines, 2015. Collection method: clinical testing. Allele origin: germline.
Comment: The MASP2 c.49C>G variant is predicted to result in the amino acid substitution p.Pro17Ala. To our knowledge, this variant has not been reported in the literature. This variant is reported in 0.020% of alleles in individuals of Latino descent in gnomAD. At this time, the clinical significance of this variant is uncertain due to the absence of conclusive functional and genetic evidence.

NM_006610.4(MASP2):c.49C>G (p.Pro17Ala)

Gene: MASP2 (MBL associated serine protease 2; minus strand). Cytogenetic location: 1p36.22.
Variant type: single nucleotide variant.
Coding change: c.49C>G on transcript NM_006610.4 (MANE Select); coding-DNA position 49, C replaced by G.
Protein change: p.Pro17Ala; replaces proline 17 with alanine.
Molecular consequence: missense variant.
Genome position (GRCh38, 1-based): chr1:11,047,076, G>C on the plus strand (C>G on the coding strand, the complement: MASP2 is on the minus strand). VCF-style: chr1-11047076-G-C. GRCh37 (hg19) VCF-style: chr1-11107133-G-C.
Other names: c.49C>G, p.Pro17Ala (NM_139208.3); short protein forms P17A.
Identifiers: ClinVar variation 4989110 (VCV004989110.1).